The following is an entry in ClinVar:

NM_001166108.2(PALLD):c.3148G>A (p.Val1050Ile)

Genes: CBR4 (carbonyl reductase 4; minus strand), PALLD (palladin, cytoskeletal associated protein; plus strand). Cytogenetic location: 4q32.3.
Variant type: single nucleotide variant.
Coding change: c.3148G>A on transcript NM_001166108.2 (MANE Select); coding-DNA position 3148, G replaced by A.
Protein change: p.Val1050Ile; replaces valine 1050 with isoleucine.
Molecular consequence: missense variant.
Genome position (GRCh38, 1-based): chr4:168,924,344, G>A. VCF-style: chr4-168924344-G-A. GRCh37 (hg19) VCF-style: chr4-169845495-G-A.
Other names: c.1951G>A, p.Val651Ile (NM_001166109.2); c.1636G>A, p.Val546Ile (NM_001166110.2); c.976G>A, p.Val326Ile (NM_001367567.1, NM_001367569.1); c.1027G>A, p.Val343Ile (NM_001367568.1, NM_001367570.1); c.3097G>A, p.Val1033Ile (NM_016081.4); short protein forms V1033I, V343I, V326I, V546I, V1050I, V651I.
Identifiers: ClinVar variation 1727525 (VCV001727525.2), dbSNP rs2534252080, ClinGen allele CA358712301.
Genomic context (GRCh38, chr4:168,924,344, plus strand): 5'-ATTGAGAAGCTCCAAAACACAGGAGTTGCTGATGGGTACCCAGTGCGGCTGGAATGTCGT[G>A]TATTGGGAGTGCCACCACCTCAGATATTTTGGAAGAAAGAAAATGAATCACTCACTCACA-3'
Protein context (NP_001159580.1, residues 1040-1060): DGYPVRLECR[Val1050Ile]LGVPPPQIFW

ClinVar aggregate classification (germline): Uncertain significance (1 of 4 stars; one submission).

gnomAD v4.1: 1 of 1,613,930 alleles (0.000062%); highest among the groups gnomAD compares: South Asian, 0.0011%; no homozygotes.

Submission:

Ambry Genetics
Classification: Uncertain significance. Last evaluated: 2021-07-03. Review status: criteria provided, single submitter. Criteria: Ambry Variant Classification Scheme 2023. Collection method: clinical testing. Allele origin: germline.
Comment: The p.V1033I variant (also known as c.3097G>A), located in coding exon 17 of the PALLD gene, results from a G to A substitution at nucleotide position 3097. The valine at codon 1033 is replaced by isoleucine, an amino acid with highly similar properties. This amino acid position is conserved. In addition, this alteration is predicted to be tolerated by in silico analysis. Since supporting evidence is limited at this time, the clinical significance of this alteration remains unclear.